The following is an entry in ClinVar:

NM_004655.4(AXIN2):c.1582A>G (p.Lys528Glu)

Gene: AXIN2 (axin 2; minus strand). Cytogenetic location: 17q24.1.
Variant type: single nucleotide variant.
Coding change: c.1582A>G on transcript NM_004655.4 (MANE Select); coding-DNA position 1582, A replaced by G.
Protein change: p.Lys528Glu; replaces lysine 528 with glutamic acid.
Molecular consequence: missense variant.
Genome position (GRCh38, 1-based): chr17:65,537,454, T>C on the plus strand (A>G on the coding strand, the complement: AXIN2 is on the minus strand). VCF-style: chr17-65537454-T-C. GRCh37 (hg19) VCF-style: chr17-63533572-T-C.
Other names: c.1582A>G, p.Lys528Glu (NM_001363813.1); c.1582A>G (LRG_296t1); short protein forms K528E.
Identifiers: ClinVar variation 464557 (VCV000464557.21), dbSNP rs756551019, ClinGen allele CA8718610.
Genomic context (GRCh38, chr17:65,537,454, plus strand): 5'-CGCTGCCCCCAGGGCAGAAGCAGTGCACCCGCTGCGTGGCCTCCGCCTCGATCTCCTCCT[T>C]GGTCTTGGGGACGGCATGGTGGTGGATGTAGTGGTGGTGGACATGCTTCGTCGTCTGCTT-3'
Protein context (NP_004646.3, residues 518-538): YIHHHAVPKT[Lys528Glu]EEIEAEATQR

ClinVar aggregate classification (germline): Uncertain significance. Review status: criteria provided, multiple submitters, no conflicts (2 of 4 stars). 6 submissions from 6 submitters: Uncertain significance (6). Last evaluated 2025-12-29.

Conditions:
Oligodontia-cancer predisposition syndrome. Also called: TOOTH AGENESIS-COLORECTAL CANCER SYNDROME. Identifiers: Orphanet 300576, MedGen C1837750, MONDO:0012075, OMIM 608615. Disease mechanism: loss of function.
Hereditary cancer-predisposing syndrome. Also called: Neoplastic Syndromes, Hereditary; Tumor predisposition; Hereditary Cancer Syndrome; Hereditary neoplastic syndrome. Identifiers: Orphanet 140162, MedGen C0027672, MeSH D009386, MONDO:0015356.
Colorectal cancer. Also called: Malignant Colorectal Neoplasm; Colorectal cancer, somatic. Identifiers: MedGen C0346629, MONDO:0005575, OMIM 114500.

Allele frequency attached by ClinVar (database versions not stated): TOPMed below 0.00001; ExAC 0.00001; gnomAD 0.00001; gnomAD exomes 0.00001.
gnomAD v4.1: 13 of 1,613,658 alleles (0.00081%); highest among the groups gnomAD compares: African/African-American, 0.0013%; no homozygotes.

Submissions (6):

Center for Genomic Medicine, Rigshospitalet, Copenhagen University Hospital
Classification: Uncertain significance. Last evaluated: 2025-12-29. Review status: criteria provided, single submitter. Criteria: ACMG Guidelines, 2015. Collection method: clinical testing. Allele origin: germline.

Ambry Genetics
Classification: Uncertain significance for Hereditary cancer-predisposing syndrome. Last evaluated: 2025-11-20. Review status: criteria provided, single submitter. Criteria: Ambry Variant Classification Scheme 2023. Collection method: clinical testing. Allele origin: germline.

Labcorp Genetics (formerly Invitae), Labcorp
Classification: Uncertain significance for Oligodontia-cancer predisposition syndrome. Last evaluated: 2025-02-02. Review status: criteria provided, single submitter. Criteria: Invitae Variant Classification Sherloc (09022015). Collection method: clinical testing. Allele origin: germline.
Comment: This sequence change replaces lysine, which is basic and polar, with glutamic acid, which is acidic and polar, at codon 528 of the AXIN2 protein (p.Lys528Glu). This variant is present in population databases (rs756551019, gnomAD 0.002%). This variant has not been reported in the literature in individuals affected with AXIN2-related conditions. ClinVar contains an entry for this variant (Variation ID: 464557). Invitae Evidence Modeling of protein sequence and biophysical properties (such as structural, functional, and spatial information, amino acid conservation, physicochemical variation, residue mobility, and thermodynamic stability) indicates that this missense variant is not expected to disrupt AXIN2 protein function with a negative predictive value of 80%. In summary, the available evidence is currently insufficient to determine the role of this variant in disease. Therefore, it has been classified as a Variant of Uncertain Significance.

GeneDx
Classification: Uncertain significance. Last evaluated: 2024-08-09. Review status: criteria provided, single submitter. Criteria: GeneDx Variant Classification Process June 2021. Collection method: clinical testing. Allele origin: germline. Affected: yes.
Comment: Not observed at significant frequency in large population cohorts (gnomAD); In silico analysis indicates that this missense variant does not alter protein structure/function; Has not been previously published as pathogenic or benign to our knowledge

Baylor Genetics
Classification: Uncertain significance for Colorectal cancer. Last evaluated: 2023-09-13. Review status: criteria provided, single submitter. Criteria: ACMG Guidelines, 2015. Collection method: clinical testing. Allele origin: unknown.

Quest Diagnostics Nichols Institute San Juan Capistrano
Classification: Uncertain significance. Last evaluated: 2021-05-25. Review status: criteria provided, single submitter. Criteria: Quest Diagnostics criteria. Collection method: clinical testing. Allele origin: unknown.